The following is an entry in ClinVar:

ClinVar aggregate classification (germline): Uncertain significance. Review status: criteria provided, multiple submitters, no conflicts (2 of 4 stars). 3 submissions from 3 submitters: Uncertain significance (3). Last evaluated 2021-12-25.

Conditions:
Inborn genetic diseases. Identifiers: MedGen C0950123, MeSH D030342.

Allele frequency attached by ClinVar (database versions not stated): gnomAD exomes below 0.00001 and 0.00001; gnomAD 0.00001.
gnomAD v4.1: 11 of 1,613,166 alleles (0.00068%); highest among the groups gnomAD compares: Admixed American, 0.0033%; no homozygotes.

Submissions (3):

Labcorp Genetics (formerly Invitae), Labcorp
Classification: Uncertain significance. Last evaluated: 2021-12-25. Review status: criteria provided, single submitter. Criteria: Invitae Variant Classification Sherloc (09022015). Collection method: clinical testing. Allele origin: germline.
Comment: This sequence change replaces tyrosine, which is neutral and polar, with cysteine, which is neutral and slightly polar, at codon 141 of the FKBP10 protein (p.Tyr141Cys). This variant is present in population databases (rs782600573, gnomAD 0.0009%). This variant has not been reported in the literature in individuals affected with FKBP10-related conditions. ClinVar contains an entry for this variant (Variation ID: 593641). Algorithms developed to predict the effect of missense changes on protein structure and function are either unavailable or do not agree on the potential impact of this missense change (SIFT: "Deleterious"; PolyPhen-2: "Benign"; Align-GVGD: "Class C35"). In summary, the available evidence is currently insufficient to determine the role of this variant in disease. Therefore, it has been classified as a Variant of Uncertain Significance.

Ambry Genetics
Classification: Uncertain significance for Inborn genetic diseases. Last evaluated: 2021-09-17. Review status: criteria provided, single submitter. Criteria: Ambry Variant Classification Scheme 2023. Collection method: clinical testing. Allele origin: germline.

Eurofins Ntd Llc (ga)
Classification: Uncertain significance. Last evaluated: 2017-08-24. Review status: criteria provided, single submitter. Criteria: EGL Classification Definitions 2015. Collection method: clinical testing. Allele origin: germline. Observed: 1 variant allele, 1 heterozygote.

NM_021939.4(FKBP10):c.422A>G (p.Tyr141Cys)

Gene: FKBP10 (FKBP prolyl isomerase 10; plus strand). Cytogenetic location: 17q21.2.
Variant type: single nucleotide variant.
Coding change: c.422A>G on transcript NM_021939.4 (MANE Select); coding-DNA position 422, A replaced by G.
Protein change: p.Tyr141Cys; replaces tyrosine 141 with cysteine.
Molecular consequence: missense variant.
Genome position (GRCh38, 1-based): chr17:41,818,119, A>G. VCF-style: chr17-41818119-A-G. GRCh37 (hg19) VCF-style: chr17-39974371-A-G.
Other names: c.422A>G (NM_021939.3); short protein forms Y141C.
Identifiers: ClinVar variation 593641 (VCV000593641.7), dbSNP rs782600573, ClinGen allele CA290696982.